The following is an entry in ClinVar:

ClinVar aggregate classification (germline): Conflicting classifications of pathogenicity. Review status: criteria provided, conflicting classifications (1 of 4 stars). 2 submissions from 2 submitters: Uncertain significance (1); Benign (1). Last evaluated 2026-06-01.

Conditions:
Neurodevelopmental disorder. Identifiers: MedGen C1535926, MeSH D065886, MONDO:0700092.

Submissions (2):

CeGaT Center for Human Genetics Tuebingen
Classification: Benign. Last evaluated: 2026-06-01. Review status: criteria provided, single submitter. Criteria: CeGaT Center For Human Genetics Tuebingen Variant Classification Criteria Version 2. Collection method: clinical testing. Allele origin: germline. Affected: yes. Observed: 11 variant alleles.
Comment: RFX7: BS1, BS2

Institute of Human Genetics, University of Leipzig Medical Center
Classification: Uncertain significance for Neurodevelopmental disorder. Last evaluated: 2019-01-01. Review status: criteria provided, single submitter. Criteria: ACMG Guidelines, 2015. Collection method: clinical testing. Allele origin: de novo. Affected: yes.
Comment: This variant was identified as de novo.

NM_022841.7(RFX7):c.2874AACCCC[4] (p.948PT[10])

Gene: RFX7 (regulatory factor X7; minus strand). Cytogenetic location: 15q21.3.
Variant type: Microsatellite.
Coding change: c.2874AACCCC[4] on transcript NM_022841.7 (MANE Select); four copies in a row of the 6-base unit AACCCC starting at c.2874; the reference has three copies in a row; one copy, 6 bases duplicated.
Protein change: p.948PT[10].
Molecular consequence: inframe insertion.
Genome position (GRCh38, 1-based): chr15:56,094,837-56,094,842, GGGGTT duplicated on the plus strand (AACCCC on the coding strand, the reverse complement: RFX7 is on the minus strand); duplicating any 6 consecutive bases within chr15:56,094,837-56,094,856 gives the same sequence; the position shown is the placement nearest the transcript's 3' end. VCF-style (leftmost placement, unchanged base first): chr15-56094836-C-CGGGGTT. GRCh37 (hg19) VCF-style: chr15-56387034-C-CGGGGTT.
Other names: c.2583AACCCC[4], p.851PT[10] (NM_001368073.2, NM_001368074.1, NM_001370554.1); c.2874AACCCC[4], p.948PT[10] (NM_001370561.1).
Identifiers: ClinVar variation 982919 (VCV000982919.15), dbSNP rs766009038, ClinGen allele CA7578044.